The following is an entry in ClinVar:

NM_001080467.3(MYO5B):c.160G>A (p.Val54Ile)

Gene: MYO5B (myosin VB; minus strand). Cytogenetic location: 18q21.1.
Variant type: single nucleotide variant.
Coding change: c.160G>A on transcript NM_001080467.3 (MANE Select); coding-DNA position 160, G replaced by A.
Protein change: p.Val54Ile; replaces valine 54 with isoleucine.
Molecular consequence: missense variant.
Genome position (GRCh38, 1-based): chr18:50,040,293, C>T on the plus strand (G>A on the coding strand, the complement: MYO5B is on the minus strand). VCF-style: chr18-50040293-C-T. GRCh37 (hg19) VCF-style: chr18-47566663-C-T.
Other names: c.160G>A (NM_001080467.2); short protein forms V54I.
Identifiers: ClinVar variation 1053164 (VCV001053164.8), dbSNP rs375051142, ClinGen allele CA8961962.

ClinVar aggregate classification (germline): Uncertain significance. Review status: criteria provided, multiple submitters, no conflicts (2 of 4 stars). 3 submissions from 3 submitters: Uncertain significance (3). Last evaluated 2025-12-19.

Conditions:
MYO5B-related disorder. Also called: MYO5B-related condition.
Inborn genetic diseases. Identifiers: MedGen C0950123, MeSH D030342.

Allele frequency attached by ClinVar (database versions not stated): ESP Exome Variant Server 0.00008; gnomAD 0.00009; ExAC 0.00012; TOPMed 0.00012; gnomAD exomes 0.00015.
gnomAD v4.1: 238 of 1,613,928 alleles (0.015%); highest among the groups gnomAD compares: Non-Finnish European, 0.018%; no homozygotes.

Submissions (3):

PreventionGenetics, part of Exact Sciences
Classification: Uncertain significance for MYO5B-related condition. Last evaluated: 2025-12-19. Review status: criteria provided, single submitter. Criteria: ACMG Guidelines, 2015. Collection method: clinical testing. Allele origin: germline.
Comment: The MYO5B c.160G>A variant is predicted to result in the amino acid substitution p.Val54Ile. To our knowledge, this variant has not been reported in the literature. This variant is reported in 0.023% of alleles in individuals of European (Non-Finnish) descent in gnomAD. At this time, the clinical significance of this variant is uncertain due to the absence of conclusive functional and genetic evidence.

Ambry Genetics
Classification: Uncertain significance for Inborn genetic diseases. Last evaluated: 2023-11-14. Review status: criteria provided, single submitter. Criteria: Ambry Variant Classification Scheme 2023. Collection method: clinical testing. Allele origin: germline.

Labcorp Genetics (formerly Invitae), Labcorp
Classification: Uncertain significance. Last evaluated: 2022-02-05. Review status: criteria provided, single submitter. Criteria: Invitae Variant Classification Sherloc (09022015). Collection method: clinical testing. Allele origin: germline.
Comment: This sequence change replaces valine, which is neutral and non-polar, with isoleucine, which is neutral and non-polar, at codon 54 of the MYO5B protein (p.Val54Ile). This variant is present in population databases (rs375051142, gnomAD 0.02%). This variant has not been reported in the literature in individuals affected with MYO5B-related conditions. ClinVar contains an entry for this variant (Variation ID: 1053164). Algorithms developed to predict the effect of missense changes on protein structure and function output the following: SIFT: "Tolerated"; PolyPhen-2: "Benign"; Align-GVGD: "Class C0". The isoleucine amino acid residue is found in multiple mammalian species, which suggests that this missense change does not adversely affect protein function. In summary, the available evidence is currently insufficient to determine the role of this variant in disease. Therefore, it has been classified as a Variant of Uncertain Significance.